The following is an entry in ClinVar:

NM_000074.3(CD40LG):c.108G>A (p.Met36Ile)

Gene: CD40LG (CD40 ligand; plus strand). Cytogenetic location: Xq26.3.
Variant type: single nucleotide variant.
Coding change: c.108G>A on transcript NM_000074.3 (MANE Select); coding-DNA position 108, G replaced by A.
Protein change: p.Met36Ile; replaces methionine 36 with isoleucine.
Molecular consequence: missense variant.
Genome position (GRCh38, 1-based): chrX:136,648,356, G>A. VCF-style: chrX-136648356-G-A. GRCh37 (hg19) VCF-style: chrX-135730515-G-A.
Other names: short protein forms M36I.
Identifiers: ClinVar variation 854395 (VCV000854395.10), dbSNP rs2076095000, ClinGen allele CA414751909.

ClinVar aggregate classification (germline): Uncertain significance (1 of 4 stars; one submission).

Conditions:
Hyper-IgM syndrome type 1. Also called: Hyper-IgM Immunodeficiency Syndrome, Type 1; X-linked hyper-IgM syndrome; Immunodeficiency, X-linked, with hyper-IgM; CD40 Ligand Deficiency. Identifiers: Orphanet 101088, MedGen C0398689, MONDO:0010626, OMIM 308230.

Submission:

Labcorp Genetics (formerly Invitae), Labcorp
Classification: Uncertain significance for Hyper-IgM syndrome type 1. Last evaluated: 2019-02-03. Review status: criteria provided, single submitter. Criteria: Invitae Variant Classification Sherloc (09022015). Collection method: clinical testing. Allele origin: germline.
Comment: This sequence change replaces methionine with isoleucine at codon 36 of the CD40LG protein (p.Met36Ile). The methionine residue is moderately conserved and there is a small physicochemical difference between methionine and isoleucine. This variant is not present in population databases (ExAC no frequency). This variant has not been reported in the literature in individuals with CD40LG-related conditions. Algorithms developed to predict the effect of missense changes on protein structure and function output the following: SIFT: "Tolerated"; PolyPhen-2: "Benign"; Align-GVGD: "Class C0". The isoleucine amino acid residue is found in multiple mammalian species, suggesting that this missense change does not adversely affect protein function. These predictions have not been confirmed by published functional studies and their clinical significance is uncertain. In summary, the available evidence is currently insufficient to determine the role of this variant in disease. Therefore, it has been classified as a Variant of Uncertain Significance.